The following is an entry in ClinVar:

ClinVar aggregate classification (germline): Conflicting classifications of pathogenicity. Review status: criteria provided, conflicting classifications (1 of 4 stars). 8 submissions from 8 submitters: Uncertain significance (7); Likely benign (1). Last evaluated 2026-08-12.

Conditions:
PCNT-related disorder. Also called: PCNT-related condition.
Inborn genetic diseases. Identifiers: MedGen C0950123, MeSH D030342.
Microcephalic osteodysplastic primordial dwarfism type II (MOPD2). Also called: Microcephalic osteodysplastic primordial dwarfism with tooth abnormalities; MOPD II; OSTEODYSPLASTIC PRIMORDIAL DWARFISM, TYPE II. Identifiers: Orphanet 2637, MedGen C0432246, MONDO:0008872, OMIM 210720.

Allele frequency attached by ClinVar (database versions not stated): 1000 Genomes Project 30x 0.00016; 1000 Genomes Project 0.00020; gnomAD exomes 0.00027 and 0.00040; TOPMed 0.00027; gnomAD 0.00029; ESP Exome Variant Server 0.00031; ExAC 0.00034.
gnomAD v4.1: 626 of 1,613,834 alleles (0.039%); highest among the groups gnomAD compares: Non-Finnish European, 0.05%; 2 homozygotes.

Submissions (8):

GeneDx
Classification: Uncertain significance. Last evaluated: 2026-08-12. Review status: criteria provided, single submitter. Criteria: GeneDx Variant Classification Process June 2021. Collection method: clinical testing. Allele origin: germline.
Comment: In silico analysis supports that this missense variant has a deleterious effect on protein structure/function; Has not been previously published as pathogenic or benign to our knowledge; This variant is associated with the following publications: (PMID: 26740555, 28719003)

PreventionGenetics, part of Exact Sciences
Classification: Uncertain significance for PCNT-related condition. Last evaluated: 2025-12-03. Review status: criteria provided, single submitter. Criteria: ACMG Guidelines, 2015. Collection method: clinical testing. Allele origin: germline.
Comment: The PCNT c.4222C>T variant is predicted to result in the amino acid substitution p.Arg1408Trp. To our knowledge, this variant has not been reported in the literature. This variant is reported in 0.051% of alleles in individuals of European (Non-Finnish) descent in gnomAD, which may be too common to be an unreported disease-causing variant. Although we suspect that this variant may be benign, the clinical significance of this variant is uncertain at this time due to the absence of conclusive functional and genetic evidence.

Blueprint Genetics
Classification: Uncertain significance. Last evaluated: 2024-09-02. Review status: criteria provided, single submitter. Criteria: ACMG Guidelines, 2015. Collection method: clinical testing. Allele origin: germline.

ARUP Laboratories, Molecular Genetics and Genomics, ARUP Laboratories
Classification: Likely benign for Microcephalic osteodysplastic primordial dwarfism type II. Last evaluated: 2023-09-20. Review status: criteria provided, single submitter. Criteria: ARUP Molecular Germline Variant Investigation Process 2024. Collection method: clinical testing. Allele origin: germline.

Labcorp Genetics (formerly Invitae), Labcorp
Classification: Uncertain significance. Last evaluated: 2022-10-17. Review status: criteria provided, single submitter. Criteria: Invitae Variant Classification Sherloc (09022015). Collection method: clinical testing. Allele origin: germline.
Comment: This sequence change replaces arginine, which is basic and polar, with tryptophan, which is neutral and slightly polar, at codon 1408 of the PCNT protein (p.Arg1408Trp). This variant is present in population databases (rs202161810, gnomAD 0.05%). This variant has not been reported in the literature in individuals affected with PCNT-related conditions. ClinVar contains an entry for this variant (Variation ID: 898542). Algorithms developed to predict the effect of missense changes on protein structure and function (SIFT, PolyPhen-2, Align-GVGD) all suggest that this variant is likely to be tolerated. In summary, the available evidence is currently insufficient to determine the role of this variant in disease. Therefore, it has been classified as a Variant of Uncertain Significance.

Fulgent Genetics
Classification: Uncertain significance for Microcephalic osteodysplastic primordial dwarfism type II. Last evaluated: 2022-05-19. Review status: criteria provided, single submitter. Criteria: ACMG Guidelines, 2015. Collection method: clinical testing. Allele origin: unknown.

Ambry Genetics
Classification: Uncertain significance for Inborn genetic diseases. Last evaluated: 2021-10-18. Review status: criteria provided, single submitter. Criteria: Ambry Variant Classification Scheme 2023. Collection method: clinical testing. Allele origin: germline.

Illumina Laboratory Services, Illumina
Classification: Uncertain significance for Microcephalic osteodysplastic primordial dwarfism type II. Last evaluated: 2018-01-12. Review status: criteria provided, single submitter. Criteria: ICSL Variant Classification Criteria 13 December 2019. Collection method: clinical testing. Allele origin: germline.

NM_006031.6(PCNT):c.4222C>T (p.Arg1408Trp)

Gene: PCNT (pericentrin; plus strand). Cytogenetic location: 21q22.3.
Variant type: single nucleotide variant.
Coding change: c.4222C>T on transcript NM_006031.6 (MANE Select); coding-DNA position 4222, C replaced by T.
Protein change: p.Arg1408Trp; replaces arginine 1408 with tryptophan.
Molecular consequence: missense variant.
Genome position (GRCh38, 1-based): chr21:46,397,270, C>T. VCF-style: chr21-46397270-C-T. GRCh37 (hg19) VCF-style: chr21-47817184-C-T.
Other names: c.3868C>T, p.Arg1290Trp (NM_001315529.2); short protein forms R1290W, R1408W.
Identifiers: ClinVar variation 898542 (VCV000898542.24), dbSNP rs202161810, ClinGen allele CA10079584.